The following is an entry in ClinVar:

NM_182961.4(SYNE1):c.21613G>A (p.Val7205Met)

Genes: SYNE1 (spectrin repeat containing nuclear envelope protein 1; minus strand), LOC126859836 (MED14-independent group 3 enhancer GRCh37_chr6:152542272-152543471; plus strand). Cytogenetic location: 6q25.2.
Variant type: single nucleotide variant.
Coding change: c.21613G>A on transcript NM_182961.4 (MANE Select); coding-DNA position 21613, G replaced by A.
Protein change: p.Val7205Met; replaces valine 7205 with methionine.
Molecular consequence: missense variant.
Genome position (GRCh38, 1-based): chr6:152,221,469, C>T on the plus strand (G>A on the coding strand, the complement: SYNE1 is on the minus strand). VCF-style: chr6-152221469-C-T. GRCh37 (hg19) VCF-style: chr6-152542604-C-T.
Other names: c.21400G>A, p.Val7134Met (NM_033071.5); c.21613G>A (NM_182961.2); short protein forms V7205M, V7134M.
Identifiers: ClinVar variation 471024 (VCV000471024.14), dbSNP rs377449974, ClinGen allele CA4054100.

ClinVar aggregate classification (germline): Uncertain significance. Review status: criteria provided, multiple submitters, no conflicts (2 of 4 stars). 6 submissions from 6 submitters: Uncertain significance (4). 2 of the submissions do not count toward it. Last evaluated 2026-02-09.

Conditions:
Emery-Dreifuss muscular dystrophy 4, autosomal dominant (EDMD4). Also called: EMERY-DREIFUSS MUSCULAR DYSTROPHY 4 WITH VARIABLE FEATURES. Identifiers: Orphanet 261, MedGen C2751807, MONDO:0013071, OMIM 612998.
Autosomal recessive ataxia, Beauce type. Also called: SYNE1-Related Autosomal Recessive Cerebellar Ataxia; Spinocerebellar ataxia, autosomal recessive 8; ATAXIA, RECESSIVE, OF BEAUCE; SYNE1 Deficiency. Identifiers: Orphanet 88644, MedGen C1853116, MONDO:0012549, OMIM 610743.

Allele frequency attached by ClinVar (database versions not stated): gnomAD 0.00005 and 0.00004; ESP Exome Variant Server 0.00008; 1000 Genomes Project 0.00040; gnomAD exomes 0.00002; ExAC 0.00004; TOPMed 0.00004; 1000 Genomes Project 30x 0.00047.
gnomAD v4.1: 40 of 1,613,842 alleles (0.0025%); highest among the groups gnomAD compares: African/African-American, 0.017%; no homozygotes.

Submissions (6):

GeneDx
Classification: Uncertain significance. Last evaluated: 2026-02-09. Review status: criteria provided, single submitter. Criteria: GeneDx Variant Classification Process June 2021. Collection method: clinical testing. Allele origin: germline. Affected: yes.
Comment: In silico analysis supports that this missense variant has a deleterious effect on protein structure/function; Not observed at significant frequency in large population cohorts (gnomAD); Has not been previously published as pathogenic or benign to our knowledge

Athena Diagnostics
Classification: Uncertain significance. Last evaluated: 2023-02-16. Review status: criteria provided, single submitter. Criteria: Athena Diagnostics Criteria. Collection method: clinical testing. Allele origin: unknown.
Comment: Available data are insufficient to determine the clinical significance of the variant at this time. The frequency of this variant in the general population is uninformative in assessment of its pathogenicity. Computational tools disagree on the variant's effect on normal protein function.

Labcorp Genetics (formerly Invitae), Labcorp
Classification: Uncertain significance for Emery-Dreifuss muscular dystrophy 4, autosomal dominant; Autosomal recessive ataxia, Beauce type. Last evaluated: 2021-12-02. Review status: criteria provided, single submitter. Criteria: Invitae Variant Classification Sherloc (09022015). Collection method: clinical testing. Allele origin: germline.
Comment: This sequence change replaces valine, which is neutral and non-polar, with methionine, which is neutral and non-polar, at codon 7134 of the SYNE1 protein (p.Val7134Met). This variant is present in population databases (rs377449974, gnomAD 0.008%). This variant has not been reported in the literature in individuals affected with SYNE1-related conditions. ClinVar contains an entry for this variant (Variation ID: 471024). Algorithms developed to predict the effect of missense changes on protein structure and function are either unavailable or do not agree on the potential impact of this missense change (SIFT: "Deleterious"; PolyPhen-2: "Probably Damaging"; Align-GVGD: "Class C15"). In summary, the available evidence is currently insufficient to determine the role of this variant in disease. Therefore, it has been classified as a Variant of Uncertain Significance.

Revvity Omics, Revvity
Classification: Uncertain significance. Last evaluated: 2020-02-20. Review status: criteria provided, single submitter. Criteria: ACMG Guidelines, 2015. Collection method: clinical testing. Allele origin: germline.

Diagnostic Laboratory, Department of Genetics, University Medical Center Groningen
Classification: Uncertain significance. Review status: no assertion criteria provided. Collection method: clinical testing. Allele origin: germline. Affected: yes. Study: VKGL Data-share Consensus. Not counted in ClinVar's aggregate classification.

Genome Diagnostics Laboratory, Amsterdam University Medical Center
Classification: Uncertain significance. Review status: no assertion criteria provided. Collection method: clinical testing. Allele origin: germline. Affected: yes. Study: VKGL Data-share Consensus. Not counted in ClinVar's aggregate classification.